The following is an entry in ClinVar:

ClinVar aggregate classification (germline): Uncertain significance (1 of 4 stars; one submission).

Conditions:
Diamond-Blackfan anemia. Also called: Blackfan Diamond syndrome; Aregenerative anemia chronic congenital; Red cell aplasia, pure hereditary; Congenital hypoplastic anemia; Aase syndrome. Identifiers: Orphanet 124, MedGen C1260899, MeSH D029503, MONDO:0015253, HP:0004810.

Allele frequency attached by ClinVar (database versions not stated): gnomAD exomes below 0.00001; TOPMed below 0.00001.
gnomAD v4.1: 1 of 1,613,696 alleles (0.000062%); highest among the groups gnomAD compares: Admixed American, 0.0017%; no homozygotes.

Submission:

Labcorp Genetics (formerly Invitae), Labcorp
Classification: Uncertain significance for Diamond-Blackfan anemia. Last evaluated: 2022-10-01. Review status: criteria provided, single submitter. Criteria: Invitae Variant Classification Sherloc (09022015). Collection method: clinical testing. Allele origin: germline.
Comment: In summary, the available evidence is currently insufficient to determine the role of this variant in disease. Therefore, it has been classified as a Variant of Uncertain Significance. Algorithms developed to predict the effect of sequence changes on RNA splicing suggest that this variant may disrupt the consensus splice site. This variant has not been reported in the literature in individuals affected with RPS10-related conditions. This variant is present in population databases (no rsID available, gnomAD 0.003%). This sequence change falls in intron 2 of the RPS10 gene. It does not directly change the encoded amino acid sequence of the RPS10 protein.

NM_001014.5(RPS10):c.151-19G>A

Genes: RPS10 (ribosomal protein S10; minus strand), RPS10-NUDT3 (RPS10-NUDT3 readthrough; minus strand). Cytogenetic location: 6p21.31.
Variant type: single nucleotide variant.
Coding change: c.151-19G>A on transcript NM_001014.5 (MANE Select); 19 bases into the intron before coding-DNA position 151, G replaced by A.
Molecular consequence: intron variant.
Genome position (GRCh38, 1-based): chr6:34,424,859, C>T on the plus strand (G>A on the coding strand, the complement: RPS10 is on the minus strand). VCF-style: chr6-34424859-C-T. GRCh37 (hg19) VCF-style: chr6-34392636-C-T.
Other names: c.151-19G>A (NM_001202470.3, NM_001204091.2, NM_001203245.3).
Identifiers: ClinVar variation 2160510 (VCV002160510.4), dbSNP rs1169836715, ClinGen allele CA566706645.